The following is an entry in ClinVar:

NM_004628.5(XPC):c.2028C>T (p.Tyr676=)

Gene: XPC (XPC complex subunit, DNA damage recognition and repair factor; minus strand). Cytogenetic location: 3p25.1.
Variant type: single nucleotide variant.
Coding change: c.2028C>T on transcript NM_004628.5 (MANE Select); coding-DNA position 2028, C replaced by T.
Protein change: p.Tyr676=; no amino-acid change (tyrosine 676 retained).
Molecular consequence: synonymous variant. On other transcripts: intron variant (1).
Genome position (GRCh38, 1-based): chr3:14,156,340, G>A on the plus strand (C>T on the coding strand, the complement: XPC is on the minus strand). VCF-style: chr3-14156340-G-A. GRCh37 (hg19) VCF-style: chr3-14197840-G-A.
Other names: c.1449C>T, p.Tyr483= (NM_001354726.2); c.2010C>T, p.Tyr670= (NM_001354729.2); c.1782C>T, p.Tyr594= (NM_001354730.2); c.1872+1671C>T (NM_001354727.2).
Identifiers: ClinVar variation 712980 (VCV000712980.21), dbSNP rs2228004, ClinGen allele CA2267303.

ClinVar aggregate classification (germline): Benign. Review status: criteria provided, multiple submitters, no conflicts (2 of 4 stars). 8 submissions from 8 submitters: Benign (5). 3 of the submissions do not count toward it. Last evaluated 2026-01-28.

Conditions:
XPC-related disorder. Also called: XPC-related condition.
Xeroderma pigmentosum, group C (XPC). Also called: Xeroderma pigmentosum, complementation group C; XERODERMA PIGMENTOSUM III; XP, GROUP C; XPC-Related Xeroderma Pigmentosum. Identifiers: Orphanet 910, MedGen C2752147, MONDO:0010211, OMIM 278720.

Allele frequency attached by ClinVar (database versions not stated): gnomAD exomes 0.00101 and 0.00256; ExAC 0.00287; 1000 Genomes Project 0.00559; 1000 Genomes Project 30x 0.00640; gnomAD 0.00740 and 0.00805; TOPMed 0.00861; ESP Exome Variant Server 0.00864.
gnomAD v4.1: 2,690 of 1,613,602 alleles (0.17%); highest among the groups gnomAD compares: African/African-American, 2.4%; 34 homozygotes.

Submissions (8):

Labcorp Genetics (formerly Invitae), Labcorp
Classification: Benign. Last evaluated: 2026-01-28. Review status: criteria provided, single submitter. Criteria: Invitae Variant Classification Sherloc (09022015). Collection method: clinical testing. Allele origin: germline.

Genome-Nilou Lab
Classification: Benign for Xeroderma pigmentosum, group C. Last evaluated: 2021-12-05. Review status: criteria provided, single submitter. Criteria: ACMG Guidelines, 2015. Collection method: clinical testing. Allele origin: germline. Affected: no.

Women's Health and Genetics/Laboratory Corporation of America, LabCorp
Classification: Benign. Last evaluated: 2019-10-18. Review status: criteria provided, single submitter. Criteria: LabCorp Variant Classification Summary - May 2015. Collection method: clinical testing. Allele origin: germline.

Illumina Laboratory Services, Illumina
Classification: Benign for Xeroderma pigmentosum, group C. Last evaluated: 2018-01-12. Review status: criteria provided, single submitter. Criteria: ICSL Variant Classification Criteria 13 December 2019. Collection method: clinical testing. Allele origin: germline.
Comment: This variant was observed in the ICSL laboratory as part of a predisposition screen in an ostensibly healthy population. It had not been previously curated by ICSL or reported in the Human Gene Mutation Database (HGMD: prior to June 1st, 2018), and was therefore a candidate for classification through an automated scoring system. Utilizing variant allele frequency, disease prevalence and penetrance estimates, and inheritance mode, an automated score was calculated to assess if this variant is too frequent to cause the disease. Based on the score and internal cut-off values, a variant classified as benign is not then subjected to further curation. The score for this variant resulted in a classification of benign for this disease.

Breakthrough Genomics
Classification: Benign. Review status: criteria provided, single submitter. Criteria: ACMG Guidelines, 2015. Collection method: not provided. Allele origin: germline. Inheritance: Autosomal recessive inheritance. Affected: yes.

PreventionGenetics, part of Exact Sciences
Classification: Benign for XPC-related condition. Last evaluated: 2020-03-20. Review status: no assertion criteria provided. Collection method: clinical testing. Allele origin: germline. Not counted in ClinVar's aggregate classification.
Comment: This variant is classified as benign based on ACMG/AMP sequence variant interpretation guidelines (Richards et al. 2015 PMID: 25741868, with internal and published modifications).

Clinical Genetics DNA and cytogenetics Diagnostics Lab, Erasmus MC, Erasmus Medical Center
Classification: Benign. Review status: no assertion criteria provided. Collection method: clinical testing. Allele origin: germline. Affected: yes. Study: VKGL Data-share Consensus. Not counted in ClinVar's aggregate classification.

Genome Diagnostics Laboratory, Amsterdam University Medical Center
Classification: Benign. Review status: no assertion criteria provided. Collection method: clinical testing. Allele origin: germline. Affected: yes. Study: VKGL Data-share Consensus. Not counted in ClinVar's aggregate classification.